The following is an entry in ClinVar:

NM_152296.5(ATP1A3):c.472-10C>T

Gene: ATP1A3 (ATPase Na+/K+ transporting subunit alpha 3; minus strand). Cytogenetic location: 19q13.2.
Variant type: single nucleotide variant.
Coding change: c.472-10C>T on transcript NM_152296.5 (MANE Select); 10 bases into the intron before coding-DNA position 472, C replaced by T.
Molecular consequence: intron variant.
Genome position (GRCh38, 1-based): chr19:41,986,008, G>A on the plus strand (C>T on the coding strand, the complement: ATP1A3 is on the minus strand). VCF-style: chr19-41986008-G-A. GRCh37 (hg19) VCF-style: chr19-42490160-G-A.
Other names: c.511-10C>T (NM_001256214.2); c.505-10C>T (NM_001256213.2).
Identifiers: ClinVar variation 680852 (VCV000680852.4), dbSNP rs1318002472, ClinGen allele CA882393686.

ClinVar aggregate classification (germline): Likely benign. Review status: criteria provided, multiple submitters, no conflicts (2 of 4 stars). 2 submissions from 2 submitters: Likely benign (2). Last evaluated 2023-06-06.

Conditions:
Dystonia 12 (DYT12). Also called: Rapid-Onset Dystonia-Parkinsonism (RDP); DYT-ATP1A3. Identifiers: Orphanet 71517, MedGen C1868681, MONDO:0007496, OMIM 128235.

Allele frequency attached by ClinVar (database versions not stated): gnomAD 0.00001; gnomAD exomes 0.00001; TOPMed 0.00001.
gnomAD v4.1: 15 of 1,614,016 alleles (0.00093%); highest among the groups gnomAD compares: Admixed American, 0.005%; no homozygotes.

Submissions (2):

Labcorp Genetics (formerly Invitae), Labcorp
Classification: Likely benign for Dystonia 12. Last evaluated: 2023-06-06. Review status: criteria provided, single submitter. Criteria: Invitae Variant Classification Sherloc (09022015). Collection method: clinical testing. Allele origin: germline.

GeneDx
Classification: Likely benign. Last evaluated: 2018-03-13. Review status: criteria provided, single submitter. Criteria: GeneDx Variant Classification (06012015). Collection method: clinical testing. Allele origin: germline. Affected: yes.
Comment: This variant is considered likely benign or benign based on one or more of the following criteria: it is a conservative change, it occurs at a poorly conserved position in the protein, it is predicted to be benign by multiple in silico algorithms, and/or has population frequency not consistent with disease.